The following is an entry in ClinVar:

ClinVar aggregate classification (germline): Uncertain significance (1 of 4 stars; one submission).

Conditions:
Hereditary cancer-predisposing syndrome. Also called: Hereditary Cancer Syndrome; Tumor predisposition; Hereditary neoplastic syndrome; Neoplastic Syndromes, Hereditary. Identifiers: Orphanet 140162, MedGen C0027672, MeSH D009386, MONDO:0015356.

Submission:

Ambry Genetics
Classification: Uncertain significance for Hereditary cancer-predisposing syndrome. Last evaluated: 2025-07-28. Review status: criteria provided, single submitter. Criteria: Ambry Variant Classification Scheme 2023. Collection method: clinical testing. Allele origin: germline.
Comment: The p.S199G variant (also known as c.595A>G), located in coding exon 4 of the CDK4 gene, results from an A to G substitution at nucleotide position 595. The serine at codon 199 is replaced by glycine, an amino acid with similar properties. This amino acid position is highly conserved in available vertebrate species. In addition, this alteration is predicted to be deleterious by in silico analysis. Based on the available evidence, the clinical significance of this variant remains unclear.

NM_000075.4(CDK4):c.595A>G (p.Ser199Gly)

Gene: CDK4 (cyclin dependent kinase 4; minus strand). Cytogenetic location: 12q14.1.
Variant type: single nucleotide variant.
Coding change: c.595A>G on transcript NM_000075.4 (MANE Select); coding-DNA position 595, A replaced by G.
Protein change: p.Ser199Gly; replaces serine 199 with glycine.
Molecular consequence: missense variant.
Genome position (GRCh38, 1-based): chr12:57,750,693, T>C on the plus strand (A>G on the coding strand, the complement: CDK4 is on the minus strand). VCF-style: chr12-57750693-T-C. GRCh37 (hg19) VCF-style: chr12-58144476-T-C.
Other names: short protein forms S199G.
Identifiers: ClinVar variation 3265477 (VCV003265477.2).